The following is an entry in ClinVar:

NM_002907.4(RECQL):c.1818T>A (p.Cys606Ter)

Genes: PYROXD1 (pyridine nucleotide-disulphide oxidoreductase domain 1; plus strand), RECQL (RecQ like helicase; minus strand). Cytogenetic location: 12p12.1.
Variant type: single nucleotide variant.
Coding change: c.1818T>A on transcript NM_002907.4 (MANE Select); coding-DNA position 1818, T replaced by A.
Protein change: p.Cys606Ter; replaces cysteine 606 with a stop codon.
Molecular consequence: nonsense. On other transcripts: 3 prime UTR variant (3).
Genome position (GRCh38, 1-based): chr12:21,470,326, A>T on the plus strand (T>A on the coding strand, the complement: RECQL is on the minus strand). VCF-style: chr12-21470326-A-T. GRCh37 (hg19) VCF-style: chr12-21623260-A-T.
Other names: c.1818T>A, p.Cys606Ter (NM_032941.3); c.*1572A>T (NM_001350912.2, NM_001350913.2, NM_024854.5); short protein forms C606*.
Identifiers: ClinVar variation 1780708 (VCV001780708.3), dbSNP rs1453360434, ClinGen allele CA384114018.
Genomic context (GRCh38, chr12:21,470,326, plus strand): 5'-CTTCTTCTGGAAGTTGCCTGAATTTTTTTCCTCCATCTTTTTATCACCTTGTTCAGAATG[A>T]CAAGTTTGAGACGATTCAGCCTACAAAAAAAAAAAAAAAACAAAGCAAGCACCTTGGTAA-3'

ClinVar aggregate classification (germline): Uncertain significance (1 of 4 stars; one submission).

Submission:

Ambry Genetics
Classification: Uncertain significance. Last evaluated: 2026-08-28. Review status: criteria provided, single submitter. Criteria: Ambry Variant Classification Scheme 2023. Collection method: clinical testing. Allele origin: germline.
Comment: The p.C606* variant (also known as c.1818T>A), located in coding exon 14 of the RECQL gene, results from a T to A substitution at nucleotide position 1818. This changes the amino acid from a cysteine to a stop codon within coding exon 14. This variant occurs at the 3' terminus of the gene and is not expected to trigger nonsense-mediated mRNA decay. The evidence for this gene-disease relationship is limited; therefore, the clinical significance of this variant is unclear.